The following is an entry in ClinVar:

NM_000426.4(LAMA2):c.6161A>G (p.Gln2054Arg)

Genes: LAMA2 (laminin subunit alpha 2; plus strand), LOC123864065 (Sharpr-MPRA regulatory region 661; plus strand). Cytogenetic location: 6q22.33.
Variant type: single nucleotide variant.
Coding change: c.6161A>G on transcript NM_000426.4 (MANE Select); coding-DNA position 6161, A replaced by G.
Protein change: p.Gln2054Arg; replaces glutamine 2054 with arginine.
Molecular consequence: missense variant.
Genome position (GRCh38, 1-based): chr6:129,440,891, A>G. VCF-style: chr6-129440891-A-G. GRCh37 (hg19) VCF-style: chr6-129762036-A-G.
Other names: p.Gln2054Arg; p.Q2054R; c.6161A>G, p.Gln2054Arg (NM_001079823.2); short protein forms Q2054R.
Identifiers: ClinVar variation 197478 (VCV000197478.64), dbSNP rs56035053, ClinGen allele CA205852.

ClinVar aggregate classification (germline): Conflicting classifications of pathogenicity. Review status: criteria provided, conflicting classifications (1 of 4 stars). 19 submissions from 19 submitters: Uncertain significance (7); Benign (1); Likely benign (6). 5 of the submissions do not count toward it. Last evaluated 2026-01-28.

Conditions:
Inborn genetic diseases. Identifiers: MedGen C0950123, MeSH D030342.
LAMA2-related muscular dystrophy (LAMA2-RD). Also called: Laminin alpha 2-related dystrophy. Identifiers: MedGen C5679788, MONDO:0100228.
Limb-girdle muscular dystrophy (LGMD). Also called: Muscular Dystrophies, Limb-Girdle. Identifiers: Orphanet 263, MedGen C0686353, MeSH D049288, MONDO:0016971, HP:0006785.
Merosin deficient congenital muscular dystrophy (MDC1A). Also called: Congenital merosin-deficient muscular dystrophy 1A; Congenital Muscular Dystrophy Type 1A (MDC1A). Identifiers: Orphanet 258, MedGen C1263858, MONDO:0011925, OMIM 607855.
Congenital muscular dystrophy due to partial LAMA2 deficiency. Identifiers: MedGen C1842898.
Intellectual disability. Also called: Intellectual developmental disorder; Intellectual functioning disability; intellectual disabilities. Identifiers: MedGen C3714756, MeSH D008607, MONDO:0001071, HP:0001249.

Allele frequency attached by ClinVar (database versions not stated): ExAC 0.00076; gnomAD exomes 0.00079 and 0.00120; gnomAD 0.00097 and 0.00098; ESP Exome Variant Server 0.00108; TOPMed 0.00111; 1000 Genomes Project 0.00120; 1000 Genomes Project 30x 0.00125.
gnomAD v4.1: 1,893 of 1,613,994 alleles (0.12%); highest among the groups gnomAD compares: Non-Finnish European, 0.15%; 2 homozygotes.

Submissions (19):

Labcorp Genetics (formerly Invitae), Labcorp
Classification: Likely benign for LAMA2-related muscular dystrophy. Last evaluated: 2026-01-28. Review status: criteria provided, single submitter. Criteria: Invitae Variant Classification Sherloc (09022015). Collection method: clinical testing. Allele origin: germline.

CeGaT Center for Human Genetics Tuebingen
Classification: Likely benign. Last evaluated: 2026-01-01. Review status: criteria provided, single submitter. Criteria: CeGaT Center For Human Genetics Tuebingen Variant Classification Criteria Version 2. Collection method: clinical testing. Allele origin: germline. Affected: yes. Observed: 5 variant alleles.
Comment: LAMA2: BP4

Mayo Clinic Laboratories, Mayo Clinic
Classification: Uncertain significance. Last evaluated: 2025-07-17. Review status: criteria provided, single submitter. Criteria: ACMG Guidelines, 2015. Collection method: clinical testing. Allele origin: germline. Observed: 6 variant alleles.
Comment: BP4_moderate, PM2_supporting

Blueprint Genetics
Classification: Likely benign. Last evaluated: 2024-10-15. Review status: criteria provided, single submitter. Criteria: ACMG Guidelines, 2015. Collection method: clinical testing. Allele origin: germline.

Ambry Genetics
Classification: Likely benign for Inborn genetic diseases. Last evaluated: 2022-04-12. Review status: criteria provided, single submitter. Criteria: Ambry Variant Classification Scheme 2023. Collection method: clinical testing. Allele origin: germline.

GeneDx
Classification: Likely benign. Last evaluated: 2021-05-13. Review status: criteria provided, single submitter. Criteria: GeneDx Variant Classification Process June 2021. Collection method: clinical testing. Allele origin: germline. Affected: yes.

Athena Diagnostics
Classification: Uncertain significance. Last evaluated: 2020-03-30. Review status: criteria provided, single submitter. Criteria: Athena Diagnostics Criteria. Collection method: clinical testing. Allele origin: unknown.

Cambridge Genomics Laboratory, East Genomic Laboratory Hub, NHS Genomic Medicine Service
Classification: Likely benign for Limb-girdle muscular dystrophy. Last evaluated: 2019-04-17. Review status: criteria provided, single submitter. Criteria: ACGS Best Practice Guidelines for Variant Classification in Rare Disease 2020. Collection method: clinical testing. Allele origin: germline. Affected: yes. Observed: 1 variant allele.

Illumina Laboratory Services, Illumina
Classification: Uncertain significance for Congenital muscular dystrophy due to partial LAMA2 deficiency. Last evaluated: 2018-01-13. Review status: criteria provided, single submitter. Criteria: ICSL Variant Classification Criteria 13 December 2019. Collection method: clinical testing. Allele origin: germline.

Fulgent Genetics
Classification: Uncertain significance for Merosin deficient congenital muscular dystrophy. Last evaluated: 2017-05-23. Review status: criteria provided, single submitter. Criteria: ACMG Guidelines, 2015. Collection method: clinical testing. Allele origin: unknown.

Center for Pediatric Genomic Medicine, Children's Mercy Hospital and Clinics
Classification: Uncertain significance. Last evaluated: 2015-09-29. Review status: criteria provided, single submitter. Criteria: ACMG Guidelines, 2015. Collection method: clinical testing. Allele origin: germline.
ClinVar note: Converted during submission from Uncertain Significance to Uncertain significance.

Genetic Services Laboratory, University of Chicago
Classification: Uncertain significance. Last evaluated: 2015-04-05. Review status: criteria provided, single submitter. Criteria: ACMG Guidelines, 2015. Collection method: clinical testing. Allele origin: germline.

Eurofins Ntd Llc (ga)
Classification: Uncertain significance. Last evaluated: 2015-02-16. Review status: criteria provided, single submitter. Criteria: EGL Classification Definitions 2015. Collection method: clinical testing. Allele origin: germline. Observed: 1 variant allele, 1 heterozygote.

PreventionGenetics, part of Exact Sciences
Classification: Benign. Review status: criteria provided, single submitter. Criteria: ACMG Guidelines, 2015. Collection method: clinical testing. Allele origin: germline.

Undiagnosed Diseases Network, NIH
Classification: Uncertain significance for Merosin deficient congenital muscular dystrophy. Last evaluated: 2024-06-13. Review status: no assertion criteria provided. Collection method: clinical testing. Allele origin: maternal. Affected: yes. Observed: 1 variant allele, 1 compound heterozygote. Study: Undiagnosed Diseases Network (NIH), UDN. Not counted in ClinVar's aggregate classification.

Centre de Biologie Pathologie Génétique, Centre Hospitalier Universitaire de Lille
Classification: Likely benign for Intellectual disability. Last evaluated: 2019-01-01. Review status: no assertion criteria provided. Collection method: clinical testing. Allele origin: inherited. Affected: yes. Not counted in ClinVar's aggregate classification.

Clinical Genetics DNA and cytogenetics Diagnostics Lab, Erasmus MC, Erasmus Medical Center
Classification: Likely benign. Review status: no assertion criteria provided. Collection method: clinical testing. Allele origin: germline. Affected: yes. Study: VKGL Data-share Consensus. Not counted in ClinVar's aggregate classification.

Joint Genome Diagnostic Labs from Nijmegen and Maastricht, Radboudumc and MUMC+
Classification: Likely benign. Review status: no assertion criteria provided. Collection method: clinical testing. Allele origin: germline. Affected: yes. Study: VKGL Data-share Consensus. Not counted in ClinVar's aggregate classification.

Laboratory of Diagnostic Genome Analysis, Leiden University Medical Center (LUMC)
Classification: Likely benign. Review status: no assertion criteria provided. Collection method: clinical testing. Allele origin: germline. Affected: yes. Study: VKGL Data-share Consensus. Not counted in ClinVar's aggregate classification.